The following is an entry in ClinVar:

ClinVar aggregate classification (germline): Likely benign. Review status: criteria provided, single submitter (1 of 4 stars). 3 submissions from 3 submitters: Likely benign (1). 2 of the submissions do not count toward it. Last evaluated 2025-09-16.

Conditions:
RAB23-related disorder. Also called: RAB23-related condition.
RAB23-related Carpenter syndrome. Also called: ACPS II; Carpenter syndrome 1. Identifiers: Orphanet 65759, MedGen C4551510, MONDO:0008710, OMIM 201000.
Carpenter syndrome. Identifiers: Orphanet 65759, MedGen C1275078, MONDO:0019012.

Allele frequency attached by ClinVar (database versions not stated): gnomAD 0.00004 and 0.00005; gnomAD exomes 0.00007 and 0.00003; ExAC 0.00002; ESP Exome Variant Server 0.00008; TOPMed 0.00004.
gnomAD v4.1: 110 of 1,597,258 alleles (0.0069%); highest among the groups gnomAD compares: Middle Eastern, 0.033%; no homozygotes.

Submissions (3):

Labcorp Genetics (formerly Invitae), Labcorp
Classification: Likely benign for Carpenter syndrome. Last evaluated: 2025-09-16. Review status: criteria provided, single submitter. Criteria: Invitae Variant Classification Sherloc (09022015). Collection method: clinical testing. Allele origin: germline.

PreventionGenetics, part of Exact Sciences
Classification: Likely benign for RAB23-related condition. Last evaluated: 2022-05-10. Review status: no assertion criteria provided. Collection method: clinical testing. Allele origin: germline. Not counted in ClinVar's aggregate classification.
Comment: This variant is classified as likely benign based on ACMG/AMP sequence variant interpretation guidelines (Richards et al. 2015 PMID: 25741868, with internal and published modifications).

Natera, Inc.
Classification: Likely benign for Carpenter syndrome 1. Last evaluated: 2020-03-04. Review status: no assertion criteria provided. Collection method: clinical testing. Allele origin: germline. Not counted in ClinVar's aggregate classification.

NM_016277.5(RAB23):c.171T>C (p.Asp57=)

Gene: RAB23 (RAB23, member RAS oncogene family; minus strand). Cytogenetic location: 6p11.2.
Variant type: single nucleotide variant.
Coding change: c.171T>C on transcript NM_016277.5 (MANE Select); coding-DNA position 171, T replaced by C.
Protein change: p.Asp57=; no amino-acid change (aspartic acid 57 retained).
Molecular consequence: synonymous variant.
Genome position (GRCh38, 1-based): chr6:57,207,698, A>G on the plus strand (T>C on the coding strand, the complement: RAB23 is on the minus strand). VCF-style: chr6-57207698-A-G. GRCh37 (hg19) VCF-style: chr6-57072496-A-G.
Other names: c.171T>C, p.Asp57= (NM_001278666.2, NM_001278667.2, NM_001278668.2 and 1 more transcripts).
Identifiers: ClinVar variation 714470 (VCV000714470.13), dbSNP rs368714271, ClinGen allele CA3873894.